The following is an entry in ClinVar:

NM_017636.4(TRPM4):c.1349G>C (p.Ser450Thr)

Gene: TRPM4 (transient receptor potential cation channel subfamily M member 4; plus strand). Cytogenetic location: 19q13.33.
Variant type: single nucleotide variant.
Coding change: c.1349G>C on transcript NM_017636.4 (MANE Select); coding-DNA position 1349, G replaced by C.
Protein change: p.Ser450Thr; replaces serine 450 with threonine.
Molecular consequence: missense variant. On other transcripts: 5 prime UTR variant (1).
Genome position (GRCh38, 1-based): chr19:49,182,663, G>C. VCF-style: chr19-49182663-G-C. GRCh37 (hg19) VCF-style: chr19-49685920-G-C.
Other names: c.1349G>C, p.Ser450Thr (NM_001195227.2); c.1004G>C, p.Ser335Thr (NM_001321281.2); c.-205G>C (NM_001321282.2); c.827G>C, p.Ser276Thr (NM_001321283.2); c.287G>C, p.Ser96Thr (NM_001321285.2); short protein forms S450T, S335T, S96T, S276T.
Identifiers: ClinVar variation 4730526 (VCV004730526.1).
Genomic context (GRCh38, chr19:49,182,663, plus strand): 5'-TGGACGCCCTGCTGAATGACCGGCCTGAGTTCGTGCGCTTGCTCATTTCCCACGGCCTCA[G>C]CCTGGGCCACTTCCTGACCCCGATGCGCCTGGCCCAACTCTACAGCGCGGCGCCCTCCAA-3'
Protein context (NP_060106.2, residues 440-460): FVRLLISHGL[Ser450Thr]LGHFLTPMRL

ClinVar aggregate classification (germline): Uncertain significance (1 of 4 stars; one submission).

Conditions:
Progressive familial heart block type IB (PFHB1B). Identifiers: Orphanet 871, MedGen C1970298, MONDO:0011474, OMIM 604559.

Submission:

Labcorp Genetics (formerly Invitae), Labcorp
Classification: Uncertain significance for Progressive familial heart block type IB. Last evaluated: 2025-11-05. Review status: criteria provided, single submitter. Criteria: Invitae Variant Classification Sherloc (09022015). Collection method: clinical testing. Allele origin: germline.
Comment: This sequence change replaces serine, which is neutral and polar, with threonine, which is neutral and polar, at codon 450 of the TRPM4 protein (p.Ser450Thr). This variant is not present in population databases (gnomAD no frequency). This variant has not been reported in the literature in individuals affected with TRPM4-related conditions. An algorithm developed to predict the effect of missense changes on protein structure and function (PolyPhen-2) suggests that this variant is likely to be disruptive. In summary, the available evidence is currently insufficient to determine the role of this variant in disease. Therefore, it has been classified as a Variant of Uncertain Significance.